The following is an entry in ClinVar:

NM_032043.3(BRIP1):c.1187A>T (p.His396Leu)

Gene: BRIP1 (BRCA1 interacting helicase 1; minus strand). Cytogenetic location: 17q23.2.
Variant type: single nucleotide variant.
Coding change: c.1187A>T on transcript NM_032043.3 (MANE Select); coding-DNA position 1187, A replaced by T.
Protein change: p.His396Leu; replaces histidine 396 with leucine.
Molecular consequence: missense variant.
Genome position (GRCh38, 1-based): chr17:61,799,253, T>A on the plus strand (A>T on the coding strand, the complement: BRIP1 is on the minus strand). VCF-style: chr17-61799253-T-A. GRCh37 (hg19) VCF-style: chr17-59876614-T-A.
Other names: short protein forms H396L.
Identifiers: ClinVar variation 1317283 (VCV001317283.2), dbSNP rs996493095, ClinGen allele CA400483733.

ClinVar aggregate classification (germline): Uncertain significance (1 of 4 stars; one submission).

Submission:

GeneDx
Classification: Uncertain significance. Last evaluated: 2020-03-18. Review status: criteria provided, single submitter. Criteria: GeneDx Variant Classification Process June 2021. Collection method: clinical testing. Allele origin: germline. Affected: yes.
Comment: Has not been previously published as pathogenic or benign to our knowledge; In silico analysis supports that this missense variant has a deleterious effect on protein structure/function; Not observed in large population cohorts (Lek 2016)